The following is an entry in ClinVar:

ClinVar aggregate classification (germline): Uncertain significance (1 of 4 stars; one submission).

Conditions:
Epidermolysis bullosa simplex with nail dystrophy (EBS5D). Identifiers: MedGen C4225309, MONDO:0014661, OMIM 616487.
Epidermolysis bullosa simplex, Ogna type (EBS5A). Also called: Pidermolysis bullosa simplex 5A, Ogna type; EPIDERMOLYSIS BULLOSA SIMPLEX 5A, OGNA TYPE. Identifiers: Orphanet 79401, MedGen C0432317, MONDO:0007555, OMIM 131950.
Autosomal recessive limb-girdle muscular dystrophy type 2Q (LGMDR17). Also called: MUSCULAR DYSTROPHY, LIMB-GIRDLE, AUTOSOMAL RECESSIVE 17. Identifiers: Orphanet 254361, MedGen C3150989, MONDO:0013390, OMIM 613723.
Epidermolysis bullosa simplex 5B, with muscular dystrophy (EBS5B). Also called: Epidermolysis bullosa simplex with muscular dystrophy; EPIDERMOLYSIS BULLOSA SIMPLEX AND LIMB-GIRDLE MUSCULAR DYSTROPHY. Identifiers: Orphanet 257, MedGen C2931072, MONDO:0009181, OMIM 226670.
Epidermolysis bullosa simplex 5C, with pyloric atresia (EBS5C). Also called: PLEC-Related Epidermolysis Bullosa with Pyloric Atresia; Epidermolysis bullosa simplex with pyloric atresia; PLEC1-Related Epidermolysis Bullosa with Pyloric Atresia. Identifiers: Orphanet 158684, MedGen C2677349, MONDO:0012807, OMIM 612138.

Allele frequency attached by ClinVar (database versions not stated): gnomAD 0.00001.
gnomAD v4.1: 3 of 1,608,440 alleles (0.00019%); highest among the groups gnomAD compares: Admixed American, 0.0033%; no homozygotes.

Submission:

Labcorp Genetics (formerly Invitae), Labcorp
Classification: Uncertain significance for Autosomal recessive limb-girdle muscular dystrophy type 2Q; Epidermolysis bullosa simplex, Ogna type; Epidermolysis bullosa simplex with nail dystrophy; Epidermolysis bullosa simplex 5C, with pyloric atresia; Epidermolysis bullosa simplex 5B, with muscular dystrophy. Last evaluated: 2023-04-17. Review status: criteria provided, single submitter. Criteria: Invitae Variant Classification Sherloc (09022015). Collection method: clinical testing. Allele origin: germline.
Comment: In summary, the available evidence is currently insufficient to determine the role of this variant in disease. Therefore, it has been classified as a Variant of Uncertain Significance. This sequence change replaces arginine, which is basic and polar, with tryptophan, which is neutral and slightly polar, at codon 38 of the PLEC protein (p.Arg38Trp). The frequency data for this variant in the population databases is considered unreliable, as metrics indicate poor data quality at this position in the gnomAD database. This variant has not been reported in the literature in individuals affected with PLEC-related conditions. Experimental studies and prediction algorithms are not available or were not evaluated, and the functional significance of this variant is currently unknown.

NM_000445.5(PLEC):c.112C>T (p.Arg38Trp)

Gene: PLEC (plectin; minus strand). Cytogenetic location: 8q24.3.
Variant type: single nucleotide variant.
Coding change: c.112C>T on transcript NM_000445.5; coding-DNA position 112, C replaced by T.
Protein change: p.Arg38Trp; replaces arginine 38 with tryptophan.
Molecular consequence: missense variant.
Genome position (GRCh38, 1-based): chr8:143,975,258, G>A on the plus strand (C>T on the coding strand, the complement: PLEC is on the minus strand). VCF-style: chr8-143975258-G-A. GRCh37 (hg19) VCF-style: chr8-145049426-G-A.
Other names: c.112C>T, p.Arg38Trp (NM_001410941.1); short protein forms R38W.
Identifiers: ClinVar variation 2937287 (VCV002937287.3), dbSNP rs782451548, ClinGen allele CA372491781.